The following is an entry in ClinVar:

ClinVar aggregate classification (germline): Pathogenic (1 of 4 stars; one submission).

Submission:

Labcorp Genetics (formerly Invitae), Labcorp
Classification: Pathogenic. Last evaluated: 2022-02-07. Review status: criteria provided, single submitter. Criteria: Invitae Variant Classification Sherloc (09022015). Collection method: clinical testing. Allele origin: germline.
Comment: This sequence change results in a frameshift in the HPS1 gene (p.Lys648Serfs*77). While this is not anticipated to result in nonsense mediated decay, it is expected to disrupt the last 53 amino acid(s) of the HPS1 protein and extend the protein by 23 additional amino acid residues. For these reasons, this variant has been classified as Pathogenic. This variant disrupts a region of the HPS1 protein in which other variant(s) (p.Leu668Pro) have been determined to be pathogenic (PMID: 16185271, 25400188, 27593200, 31141302). This suggests that this is a clinically significant region of the protein, and that variants that disrupt it are likely to be disease-causing. Algorithms developed to predict the effect of sequence changes on RNA splicing suggest that this variant may create or strengthen a splice site. This variant has not been reported in the literature in individuals affected with HPS1-related conditions. This variant is not present in population databases (gnomAD no frequency).

Literature cited by the submitters: PubMed 16185271; PubMed 25400188; PubMed 27593200; PubMed 31141302.

NC_000010.11:g.98417727del

Gene: HPS1 (HPS1 biogenesis of lysosomal organelles complex 3 subunit 1; minus strand). Cytogenetic location: 10q24.2.
Variant type: Deletion.
Genome position: GRCh38 VCF-style: chr10-98417725-TC-T. GRCh37 (hg19) VCF-style: chr10-100177482-TC-T.
Identifiers: ClinVar variation 2413231 (VCV002413231.6), dbSNP rs2538724290, ClinGen allele CA2580082538.